The following is an entry in ClinVar:

ClinVar aggregate classification (germline): Likely benign. Review status: criteria provided, multiple submitters, no conflicts (2 of 4 stars). 2 submissions from 2 submitters: Likely benign (2). Last evaluated 2022-04-01.

Allele frequency attached by ClinVar (database versions not stated): ESP Exome Variant Server 0.00041; ExAC 0.00055.
gnomAD v4.1: 361 of 1,613,542 alleles (0.022%); highest among the groups gnomAD compares: Admixed American, 0.083%; 1 homozygote.

Submissions (3):

CeGaT Center for Human Genetics Tuebingen
Classification: Likely benign. Last evaluated: 2022-04-01. Review status: criteria provided, single submitter. Criteria: CeGaT Center For Human Genetics Tuebingen Variant Classification Criteria Version 2. Collection method: clinical testing. Allele origin: germline. Affected: yes. Observed: 1 variant allele.
Comment: MEI1: BP4

Ambry Genetics
Classification: Likely benign. Last evaluated: 2021-08-04. Review status: criteria provided, single submitter. Criteria: Ambry Variant Classification Scheme 2023. Collection method: clinical testing. Allele origin: germline.

Dr. Peter K. Rogan Lab, Western University
No classification provided (evidence only). Condition: Uterine carcinosarcoma. Review status: no classification provided. Collection method: in vitro. Allele origin: not applicable. Functional consequence: retained intron. Not counted in ClinVar's aggregate classification.

NM_152513.4(MEI1):c.1895A>G (p.Tyr632Cys)

Gene: MEI1 (meiotic double-stranded break formation protein 1; plus strand). Cytogenetic location: 22q13.2.
Variant type: single nucleotide variant.
Coding change: c.1895A>G on transcript NM_152513.4 (MANE Select); coding-DNA position 1895, A replaced by G.
Protein change: p.Tyr632Cys; replaces tyrosine 632 with cysteine.
Molecular consequence: missense variant.
Genome position (GRCh38, 1-based): chr22:41,753,990, A>G. VCF-style: chr22-41753990-A-G. GRCh37 (hg19) VCF-style: chr22-42149994-A-G.
Other names: NC_000022.10:g.42149994A>G; short protein forms Y632C.
Identifiers: ClinVar variation 2222653 (VCV002222653.27), dbSNP rs201405312, ClinGen allele CA10260343.